The following is an entry in ClinVar:

ClinVar aggregate classification (germline): Uncertain significance. Review status: criteria provided, multiple submitters, no conflicts (2 of 4 stars). 5 submissions from 5 submitters: Uncertain significance (5). Last evaluated 2026-07-03.

Conditions:
UGT1A1-related disorder. Also called: UGT1A1-related condition; UGT1A1-related disorders.

Allele frequency attached by ClinVar (database versions not stated): gnomAD exomes 0.00005; TOPMed 0.00006; ExAC 0.00007; ESP Exome Variant Server 0.00008; 1000 Genomes Project 30x 0.00016; 1000 Genomes Project 0.00020.
gnomAD v4.1: 44 of 1,614,208 alleles (0.0027%); highest among the groups gnomAD compares: Middle Eastern, 0.033%; no homozygotes.

Submissions (5):

PreventionGenetics, part of Exact Sciences
Classification: Uncertain significance for UGT1A1-related condition. Last evaluated: 2026-07-03. Review status: criteria provided, single submitter. Criteria: ACMG Guidelines, 2015. Collection method: clinical testing. Allele origin: germline.
Comment: The UGT1A1 c.1349G>A variant is predicted to result in the amino acid substitution p.Arg450His. To our knowledge, this variant has not been reported in the literature. This variant is reported in 0.0099% of alleles in individuals of Ashkenazi Jewish descent in gnomAD. At this time, the clinical significance of this variant is uncertain due to the absence of conclusive functional and genetic evidence.

Labcorp Genetics (formerly Invitae), Labcorp
Classification: Uncertain significance. Last evaluated: 2025-05-27. Review status: criteria provided, single submitter. Criteria: Invitae Variant Classification Sherloc (09022015). Collection method: clinical testing. Allele origin: germline.
Comment: This sequence change replaces arginine, which is basic and polar, with histidine, which is basic and polar, at codon 450 of the UGT1A1 protein (p.Arg450His). This variant is present in population databases (rs200370335, gnomAD 0.01%). This variant has not been reported in the literature in individuals affected with UGT1A1-related conditions. ClinVar contains an entry for this variant (Variation ID: 598532). Invitae Evidence Modeling of protein sequence and biophysical properties (such as structural, functional, and spatial information, amino acid conservation, physicochemical variation, residue mobility, and thermodynamic stability) indicates that this missense variant is not expected to disrupt UGT1A1 protein function with a negative predictive value of 80%. In summary, the available evidence is currently insufficient to determine the role of this variant in disease. Therefore, it has been classified as a Variant of Uncertain Significance.

Revvity Omics, Revvity
Classification: Uncertain significance. Last evaluated: 2023-08-31. Review status: criteria provided, single submitter. Criteria: ACMG Guidelines, 2015. Collection method: clinical testing. Allele origin: germline.

ARUP Laboratories, Molecular Genetics and Genomics, ARUP Laboratories
Classification: Uncertain significance. Last evaluated: 2020-06-30. Review status: criteria provided, single submitter. Criteria: ARUP Molecular Germline Variant Investigation Process. Collection method: clinical testing. Allele origin: germline.

Eurofins Ntd Llc (ga)
Classification: Uncertain significance. Last evaluated: 2018-08-27. Review status: criteria provided, single submitter. Criteria: EGL ClinVar v180209 classification definitions. Collection method: clinical testing. Allele origin: germline. Observed: 1 variant allele, 1 heterozygote.

NM_000463.3(UGT1A1):c.1349G>A (p.Arg450His)

Genes: UGT1A8 (UDP glucuronosyltransferase family 1 member A8; plus strand), UGT1A1 (UDP glucuronosyltransferase family 1 member A1; plus strand), UGT1A10 (UDP glucuronosyltransferase family 1 member A10; plus strand), UGT1A5 (UDP glucuronosyltransferase family 1 member A5; plus strand), UGT1A6 (UDP glucuronosyltransferase family 1 member A6; plus strand) and 5 more. Cytogenetic location: 2q37.1.
Variant type: single nucleotide variant.
Coding change: c.1349G>A on transcript NM_000463.3 (MANE Select); coding-DNA position 1349, G replaced by A.
Protein change: p.Arg450His; replaces arginine 450 with histidine.
Molecular consequence: missense variant.
Genome position (GRCh38, 1-based): chr2:233,772,306, G>A. VCF-style: chr2-233772306-G-A. GRCh37 (hg19) VCF-style: chr2-234680952-G-A.
Other names: c.1346G>A, p.Arg449His (NM_001072.4); c.545G>A, p.Arg182His (NM_205862.3); c.1352G>A, p.Arg451His (NM_019078.2, NM_007120.3, NM_019093.4); c.1340G>A, p.Arg447His (NM_021027.3, NM_019075.4, NM_019076.5 and 1 more transcripts); short protein forms R450H, R182H, R447H, R449H, R451H.
Identifiers: ClinVar variation 598532 (VCV000598532.23), dbSNP rs200370335, ClinGen allele CA2180097.